The following is an entry in ClinVar:

NM_001042517.2(DIAPH3):c.617A>G (p.Asn206Ser)

Genes: DIAPH3 (diaphanous related formin 3; minus strand), DIAPH3-AS1 (DIAPH3 antisense RNA 1; plus strand). Cytogenetic location: 13q21.2.
Variant type: single nucleotide variant.
Coding change: c.617A>G on transcript NM_001042517.2 (MANE Select); coding-DNA position 617, A replaced by G.
Protein change: p.Asn206Ser; replaces asparagine 206 with serine.
Molecular consequence: missense variant. On other transcripts: non-coding transcript variant (4).
Genome position (GRCh38, 1-based): chr13:60,042,699, T>C on the plus strand (A>G on the coding strand, the complement: DIAPH3 is on the minus strand). VCF-style: chr13-60042699-T-C. GRCh37 (hg19) VCF-style: chr13-60616833-T-C.
Other names: c.407A>G, p.Asn136Ser (NM_001258368.2); c.617A>G, p.Asn206Ser (NM_001258369.2); c.584A>G, p.Asn195Ser (NM_001258366.2); c.479A>G, p.Asn160Ser (NM_001258367.2); short protein forms N160S, N136S, N195S, N206S.
Identifiers: ClinVar variation 3668489 (VCV003668489.2).

ClinVar aggregate classification (germline): Uncertain significance (1 of 4 stars; one submission).

gnomAD v4.1: 49 of 1,613,496 alleles (0.003%); highest among the groups gnomAD compares: Non-Finnish European, 0.0039%; no homozygotes.

Submission:

Labcorp Genetics (formerly Invitae), Labcorp
Classification: Uncertain significance. Last evaluated: 2024-05-16. Review status: criteria provided, single submitter. Criteria: Invitae Variant Classification Sherloc (09022015). Collection method: clinical testing. Allele origin: germline.
Comment: This sequence change replaces asparagine, which is neutral and polar, with serine, which is neutral and polar, at codon 206 of the DIAPH3 protein (p.Asn206Ser). This variant is present in population databases (rs751908858, gnomAD 0.01%). This variant has not been reported in the literature in individuals affected with DIAPH3-related conditions. An algorithm developed to predict the effect of missense changes on protein structure and function (PolyPhen-2) suggests that this variant is likely to be tolerated. In summary, the available evidence is currently insufficient to determine the role of this variant in disease. Therefore, it has been classified as a Variant of Uncertain Significance.